The following is an entry in ClinVar:

ClinVar aggregate classification (germline): Uncertain significance (1 of 4 stars; one submission).

gnomAD v4.1: 2 of 1,614,240 alleles (0.00012%); no homozygotes.

Submission:

Labcorp Genetics (formerly Invitae), Labcorp
Classification: Uncertain significance. Last evaluated: 2022-08-31. Review status: criteria provided, single submitter. Criteria: Invitae Variant Classification Sherloc (09022015). Collection method: clinical testing. Allele origin: germline.
Comment: In summary, the available evidence is currently insufficient to determine the role of this variant in disease. Therefore, it has been classified as a Variant of Uncertain Significance. Algorithms developed to predict the effect of missense changes on protein structure and function are either unavailable or do not agree on the potential impact of this missense change (SIFT: "Deleterious"; PolyPhen-2: "Probably Damaging"; Align-GVGD: "Class C0"). This variant has not been reported in the literature in individuals affected with PPP1R15B-related conditions. This variant is not present in population databases (gnomAD no frequency). This sequence change replaces leucine, which is neutral and non-polar, with glutamine, which is neutral and polar, at codon 223 of the PPP1R15B protein (p.Leu223Gln).

NM_032833.5(PPP1R15B):c.668T>A (p.Leu223Gln)

Gene: PPP1R15B (protein phosphatase 1 regulatory subunit 15B; minus strand). Cytogenetic location: 1q32.1.
Variant type: single nucleotide variant.
Coding change: c.668T>A on transcript NM_032833.5 (MANE Select); coding-DNA position 668, T replaced by A.
Protein change: p.Leu223Gln; replaces leucine 223 with glutamine.
Molecular consequence: missense variant.
Genome position (GRCh38, 1-based): chr1:204,410,744, A>T on the plus strand (T>A on the coding strand, the complement: PPP1R15B is on the minus strand). VCF-style: chr1-204410744-A-T. GRCh37 (hg19) VCF-style: chr1-204379872-A-T.
Other names: short protein forms L223Q.
Identifiers: ClinVar variation 1972839 (VCV001972839.5), dbSNP rs900450703, ClinGen allele CA35772818.